The following is an entry in ClinVar:

NM_031307.4(PUS3):c.981dup (p.Lys328Ter)

Genes: HYLS1 (HYLS1 centriolar and ciliogenesis associated; plus strand), PUS3 (pseudouridine synthase 3; minus strand). Cytogenetic location: 11q24.2.
Variant type: Duplication.
Coding change: c.981dup on transcript NM_031307.4 (MANE Select); coding-DNA position 981, one base duplicated (T; older notation c.981dupT).
Protein change: p.Lys328Ter; replaces lysine 328 with a stop codon.
Molecular consequence: nonsense. On other transcripts: intron variant (5).
Genome position (GRCh38, 1-based): chr11:125,894,250, A duplicated on the plus strand (T on the coding strand, the reverse complement: PUS3 is on the minus strand). VCF-style (leftmost placement, unchanged base first): chr11-125894249-T-TA. GRCh37 (hg19) VCF-style: chr11-125764144-T-TA.
Other names: c.357dup, p.Lys120Ter (NM_001271985.2); c.-81+2778dup (NM_145014.3); c.-26+2778dup (NM_001134793.2); c.-23+2778dup (NM_001424364.1); c.-25-5094dup (NM_001377269.1); c.-22-5097dup (NM_001377270.1); short protein forms K120*, K328*.
Identifiers: ClinVar variation 2230592 (VCV002230592.2), dbSNP rs756816369, ClinGen allele CA6350402.
Genomic context (GRCh38, chr11:125,894,249, plus strand): 5'-GGTGGGTAATATTGAACTCCTGAGCCTCCTGGTCATAGATCCACTTGACATTTTCAAACT[T>TA]ACAGTCATATAAGACTAGAGGAAATTCTACAGCCATACTAGAGAAAAAGAGAAAAGAAAG-3'

ClinVar aggregate classification (germline): Likely pathogenic (1 of 4 stars; one submission).

Conditions:
Inborn genetic diseases. Identifiers: MedGen C0950123, MeSH D030342.

Allele frequency attached by ClinVar (database versions not stated): gnomAD exomes below 0.00001; ExAC 0.00001.

Submission:

Ambry Genetics
Classification: Likely pathogenic for Inborn genetic diseases. Last evaluated: 2021-05-01. Review status: criteria provided, single submitter. Criteria: Ambry Variant Classification Scheme 2023. Collection method: clinical testing. Allele origin: germline.
Comment: The c.981dupT (p.K328*) alteration, located in exon 4 (coding exon 3) of the PUS3 gene, consists of a duplication of T at position 981, causing a translational frameshift with a predicted alternate stop codon after amino acids. This alteration is expected to result in loss of function by premature protein truncation or nonsense-mediated mRNA decay. Based on the available evidence, this alteration is classified as likely pathogenic.